The following is an entry in ClinVar:

ClinVar aggregate classification (germline): Pathogenic/Likely pathogenic. Review status: criteria provided, multiple submitters, no conflicts (2 of 4 stars). 4 submissions from 4 submitters: Pathogenic (2); Likely pathogenic (1). 1 of the submissions does not count toward it. Last evaluated 2025-07-25.

Conditions:
Metachromatic leukodystrophy (MLD). Also called: Cerebral sclerosis diffuse metachromatic form; Arylsulfatase A Deficiency; ARSA DEFICIENCY; CEREBROSIDE SULFATASE DEFICIENCY; METACHROMATIC LEUKOENCEPHALOPATHY; SULFATIDE LIPIDOSIS. Identifiers: Orphanet 512, MedGen C0023522, MONDO:0018868, OMIM 250100.

Submissions (5):

Myriad Genetics, Inc.
Classification: Likely pathogenic for Metachromatic leukodystrophy. Last evaluated: 2025-07-25. Review status: criteria provided, single submitter. Criteria: Myriad Autosomal Dominant, Autosomal Recessive and X-Linked Classification Criteria (2023). Collection method: clinical testing. Allele origin: unknown.
Comment: NM_000487.5(ARSA):c.449C>G(P150R) is a missense variant classified as likely pathogenic in the context of metachromatic leukodystrophy. P150R has been observed in cases with relevant disease (PMID: 26462614, 30828547, 34554397). Relevant functional assessments of this variant are available in the literature (PMID: 37480112). P150R has not been observed in referenced population frequency databases. In summary, NM_000487.5(ARSA):c.449C>G(P150R) is a missense variant that has been observed more frequently in cases with the relevant disease than in healthy populations. Please note: this variant was assessed in the context of healthy population screening.

Labcorp Genetics (formerly Invitae), Labcorp
Classification: Pathogenic for Metachromatic leukodystrophy. Last evaluated: 2024-07-23. Review status: criteria provided, single submitter. Criteria: Invitae Variant Classification Sherloc (09022015). Collection method: clinical testing. Allele origin: germline.
Comment: This sequence change replaces proline, which is neutral and non-polar, with arginine, which is basic and polar, at codon 150 of the ARSA protein (p.Pro150Arg). This variant is not present in population databases (gnomAD no frequency). This missense change has been observed in individuals with metachromatic leukodystrophy (PMID: 23845948, 26462614, 30828547). It has also been observed to segregate with disease in related individuals. This variant is also known as p.Pro148Arg. ClinVar contains an entry for this variant (Variation ID: 576385). Advanced modeling of protein sequence and biophysical properties (such as structural, functional, and spatial information, amino acid conservation, physicochemical variation, residue mobility, and thermodynamic stability) performed at Invitae indicates that this missense variant is expected to disrupt ARSA protein function with a positive predictive value of 95%. This variant disrupts the p.Pro150 amino acid residue in ARSA. Other variant(s) that disrupt this residue have been observed in individuals with ARSA-related conditions (PMID: 10381328, 18786133), which suggests that this may be a clinically significant amino acid residue. For these reasons, this variant has been classified as Pathogenic.

Kariminejad - Najmabadi Pathology & Genetics Center
Classification: Pathogenic for Metachromatic leukodystrophy. Review status: criteria provided, single submitter. Criteria: ACMG Guidelines, 2015. Collection method: clinical testing. Allele origin: germline. Affected: no.

Natera, Inc.
Classification: Likely pathogenic for Metachromatic leukodystrophy. Last evaluated: 2021-06-11. Review status: no assertion criteria provided. Collection method: clinical testing. Allele origin: germline. Not counted in ClinVar's aggregate classification.

Gelb Laboratory, University of Washington
No classification provided (evidence only). Condition: Metachromatic leukodystrophy. Review status: no classification provided. Collection method: in vitro. Allele origin: not applicable. Functional consequence: loss of function. Not counted in ClinVar's aggregate classification.

Literature cited by the submitters: PubMed 26462614 (cited by Myriad Genetics, Inc. and Labcorp Genetics (formerly Invitae), Labcorp); PubMed 30828547 (cited by Myriad Genetics, Inc. and Labcorp Genetics (formerly Invitae), Labcorp); PubMed 34554397 (cited by Myriad Genetics, Inc.); PubMed 37480112 (cited by Myriad Genetics, Inc.); PubMed 23845948 (cited by Labcorp Genetics (formerly Invitae), Labcorp); PubMed 10381328 (cited by Labcorp Genetics (formerly Invitae), Labcorp); PubMed 18786133 (cited by Labcorp Genetics (formerly Invitae), Labcorp).

NM_000487.6(ARSA):c.449C>G (p.Pro150Arg)

Gene: ARSA (arylsulfatase A; minus strand). Cytogenetic location: 22q13.33.
Variant type: single nucleotide variant.
Coding change: c.449C>G on transcript NM_000487.6 (MANE Select); coding-DNA position 449, C replaced by G.
Protein change: p.Pro150Arg; replaces proline 150 with arginine.
Molecular consequence: missense variant.
Genome position (GRCh38, 1-based): chr22:50,627,182, G>C on the plus strand (C>G on the coding strand, the complement: ARSA is on the minus strand). VCF-style: chr22-50627182-G-C. GRCh37 (hg19) VCF-style: chr22-51065610-G-C.
Other names: c.449C>G, p.Pro150Arg (NM_001085425.3, NM_001085426.3, NM_001085427.3); c.191C>G, p.Pro64Arg (NM_001085428.3, NM_001362782.2); short protein forms P150R, P64R.
Identifiers: ClinVar variation 576385 (VCV000576385.19), dbSNP rs199476375, ClinGen allele CA412180061.
Genomic context (GRCh38, chr22:50,627,182, plus strand): 5'-CTTTGGGAGGTGGGAGGGTGGCTGAGGGCCCGGGTGGTTCCTACCTGGTCGTGGGAGTAC[G>C]GGATGCCTAGAAATCGATGGAAGCCCTGATGGGGGGGCAGGAAGGCCCCCTCAGGCCCCA-3'
Protein context (NP_000478.3, residues 140-160): HQGFHRFLGI[Pro150Arg]YSHDQGPCQN